The following is an entry in ClinVar:

ClinVar aggregate classification (germline): Likely pathogenic (1 of 4 stars; one submission).

Conditions:
Renal carnitine transport defect (CDSP). Also called: Systemic primary carnitine deficiency disease; Carnitine Deficiency, Systemic; Primary carnitine deficiency; Systemic primary carnitine deficiency; Carnitine transporter deficiency; CARNITINE DEFICIENCY, SYSTEMIC, DUE TO DEFECT IN RENAL REABSORPTION OF CARNITINE. Identifiers: Orphanet 158, MedGen C0342788, MONDO:0008919, OMIM 212140.

Submission:

Labcorp Genetics (formerly Invitae), Labcorp
Classification: Likely pathogenic for Renal carnitine transport defect. Last evaluated: 2025-10-03. Review status: criteria provided, single submitter. Criteria: Invitae Variant Classification Sherloc (09022015). Collection method: clinical testing. Allele origin: germline.
Comment: This sequence change replaces serine, which is neutral and polar, with glycine, which is neutral and non-polar, at codon 28 of the SLC22A5 protein (p.Ser28Gly). This variant is not present in population databases (gnomAD no frequency). This variant has not been reported in the literature in individuals affected with SLC22A5-related conditions. Invitae Evidence Modeling of protein sequence and biophysical properties (such as structural, functional, and spatial information, amino acid conservation, physicochemical variation, residue mobility, and thermodynamic stability) indicates that this missense variant is expected to disrupt SLC22A5 protein function with a positive predictive value of 95%. This variant disrupts the p.Ser28 amino acid residue in SLC22A5. Other variant(s) that disrupt this residue have been determined to be pathogenic (PMID: 12408185, 23379544, 28841266). This suggests that this residue is clinically significant, and that variants that disrupt this residue are likely to be disease-causing. In summary, the currently available evidence indicates that the variant is pathogenic, but additional data are needed to prove that conclusively. Therefore, this variant has been classified as Likely Pathogenic.

Literature cited by the submitters: PubMed 12408185; PubMed 23379544; PubMed 28841266.

NM_003060.4(SLC22A5):c.82A>G (p.Ser28Gly)

Gene: SLC22A5 (solute carrier family 22 member 5; plus strand). Cytogenetic location: 5q31.1.
Variant type: single nucleotide variant.
Coding change: c.82A>G on transcript NM_003060.4 (MANE Select); coding-DNA position 82, A replaced by G.
Protein change: p.Ser28Gly; replaces serine 28 with glycine.
Molecular consequence: missense variant.
Genome position (GRCh38, 1-based): chr5:132,370,054, A>G. VCF-style: chr5-132370054-A-G. GRCh37 (hg19) VCF-style: chr5-131705746-A-G.
Other names: c.82A>G, p.Ser28Gly (NM_001308122.2); short protein forms S28G.
Identifiers: ClinVar variation 4709902 (VCV004709902.1).